The following is an entry in ClinVar:

NM_000138.5(FBN1):c.7376G>A (p.Cys2459Tyr)

Gene: FBN1 (fibrillin 1; minus strand). Cytogenetic location: 15q21.1.
Variant type: single nucleotide variant.
Coding change: c.7376G>A on transcript NM_000138.5 (MANE Select); coding-DNA position 7376, G replaced by A.
Protein change: p.Cys2459Tyr; replaces cysteine 2459 with tyrosine.
Molecular consequence: missense variant.
Genome position (GRCh38, 1-based): chr15:48,425,446, C>T on the plus strand (G>A on the coding strand, the complement: FBN1 is on the minus strand). VCF-style: chr15-48425446-C-T. GRCh37 (hg19) VCF-style: chr15-48717643-C-T.
Other names: short protein forms C2459Y.
Identifiers: ClinVar variation 449794 (VCV000449794.11), dbSNP rs1555394406, ClinGen allele CA392327896.

ClinVar aggregate classification (germline): Pathogenic/Likely pathogenic. Review status: criteria provided, multiple submitters, no conflicts (2 of 4 stars). 2 submissions from 2 submitters: Pathogenic (1); Likely pathogenic (1). Last evaluated 2025-10-21.

Conditions:
Marfan syndrome (MFS). Also called: MARFAN SYNDROME, TYPE I; FBN1-Related Marfan Syndrome; Marfan syndrome type 1; Marfan's syndrome; Marfan syndrome, classic. Identifiers: Orphanet 284963, Orphanet 558, MedGen C0024796, MONDO:0007947, OMIM 154700.
Familial thoracic aortic aneurysm and aortic dissection (TAAD). Also called: Thoracic aortic aneurysms and dissections. Identifiers: Orphanet 91387, MedGen C4707243, MONDO:0019625.

Submissions (2):

Labcorp Genetics (formerly Invitae), Labcorp
Classification: Pathogenic for Marfan syndrome; Familial thoracic aortic aneurysm and aortic dissection. Last evaluated: 2025-10-21. Review status: criteria provided, single submitter. Criteria: Invitae Variant Classification Sherloc (09022015). Collection method: clinical testing. Allele origin: germline.
Comment: This sequence change replaces cysteine, which is neutral and slightly polar, with tyrosine, which is neutral and polar, at codon 2459 of the FBN1 protein (p.Cys2459Tyr). This variant is not present in population databases (gnomAD no frequency). This missense change has been observed in individual(s) with clinical features of Marfan syndrome (internal data). ClinVar contains an entry for this variant (Variation ID: 449794). Invitae Evidence Modeling of protein sequence and biophysical properties (such as structural, functional, and spatial information, amino acid conservation, physicochemical variation, residue mobility, and thermodynamic stability) indicates that this missense variant is expected to disrupt FBN1 protein function with a positive predictive value of 95%. This variant affects a cysteine residue in the EGF-like, TGFBP or hybrid motif domains of FBN1. Cysteine residues are believed to be involved in intramolecular disulfide bridges and have been shown to be important for FBN1 protein structure (PMID: 16905551, 19349279). In addition, missense substitutions affecting cysteine residues within these domains are significantly overrepresented among patients with Marfan syndrome (PMID: 16571647, 17701892). This variant disrupts the p.Cys2459 amino acid residue in FBN1. Other variant(s) that disrupt this residue have been observed in individuals with FBN1-related conditions (PMID: 33059708; internal data), which suggests that this may be a clinically significant amino acid residue. For these reasons, this variant has been classified as Pathogenic.

GeneDx
Classification: Likely pathogenic. Last evaluated: 2017-07-28. Review status: criteria provided, single submitter. Criteria: GeneDx Variant Classification (06012015). Collection method: clinical testing. Allele origin: germline. Affected: yes.
Comment: A likely pathogenic variant has been identified in the FBN1 gene. The C2459Y variant has not been published as pathogenic or been reported as benign to our knowledge. It is not observed in large population cohorts (Lek et al., 2016). The C2459Y variant is a non-conservative amino acid substitution, which is likely to impact secondary protein structure as these residues differ in polarity, charge, size and/or other properties. This substitution occurs at a position that is conserved across species and in silico analysis predicts this variant is probably damaging to the protein structure/function. Furthermore, C2459Y affects a cysteine residue within a calicum-binding EGF-like domain of the FBN1 gene, which is predicted to destroy disulfide bonding and alter the structure and function of the protein. Cysteine substitutions represent the majority of pathogenic missense changes associated with Marfan syndrome (Collod-Beroud et al., 2003).

Literature cited by the submitters: PubMed 16905551 (cited by Labcorp Genetics (formerly Invitae), Labcorp); PubMed 19349279 (cited by Labcorp Genetics (formerly Invitae), Labcorp); PubMed 16571647 (cited by Labcorp Genetics (formerly Invitae), Labcorp); PubMed 17701892 (cited by Labcorp Genetics (formerly Invitae), Labcorp); PubMed 33059708 (cited by Labcorp Genetics (formerly Invitae), Labcorp).